The following is an entry in ClinVar:

NC_012920.1(MT-CYB):m.15674T>C

Gene: MT-CYB (mitochondrially encoded cytochrome b; plus strand).
Variant type: single nucleotide variant.
Genome position: chrM-15674-T-C.
Identifiers: ClinVar variation 693931 (VCV000693931.1), dbSNP rs1603225419, ClinGen allele CA913174523.

ClinVar aggregate classification (germline): Benign (1 of 4 stars; one submission).

Conditions:
Leigh syndrome (NULS). Also called: Leigh's necrotizing encephalopathy; Leigh's disease; Leigh's syndrome; LEIGH SYNDROME, NUCLEAR; Leigh Syndrome (mtDNA deletion); Leigh Disease. Identifiers: Orphanet 506, MedGen C2931891, MONDO:0009723, OMIM 256000.

Submission:

Wong Mito Lab, Molecular and Human Genetics, Baylor College of Medicine
Classification: Benign for Leigh syndrome. Last evaluated: 2019-10-17. Review status: criteria provided, single submitter. Criteria: Modified ACMG Guidelines (Unpublished). Collection method: clinical testing. Allele origin: germline.
Comment: The NC_012920.1:m.15674T>C (YP_003024038.1:p.Ser310Pro) variant in MTCYB gene is interpretated to be a Benign variant based on the modified ACMG guidelines (unpublished). This variant meets the following evidence codes: BS1, BS2

Literature cited by the submitters: PubMed 17003408.